The following is an entry in ClinVar:

ClinVar aggregate classification (germline): Uncertain significance (1 of 4 stars; one submission).

Conditions:
Familial melanoma. Also called: Hereditary melanoma; Hereditary cutaneous melanoma. Identifiers: Orphanet 618, MedGen C1512419, MONDO:0018961.

Submission:

Labcorp Genetics (formerly Invitae), Labcorp
Classification: Uncertain significance for Familial melanoma. Last evaluated: 2024-10-02. Review status: criteria provided, single submitter. Criteria: Invitae Variant Classification Sherloc (09022015). Collection method: clinical testing. Allele origin: germline.
Comment: The CDKN2A gene encodes two different proteins, p16INK4a and p14ARF, which are translated from alternative transcripts with different open reading frames. Both transcripts have been analyzed. We report either the variant with the higher classification or default to the CDKN2A (p16INK4a) variant. This report therefore includes the details for the CDKN2A (p16INK4a) variant. This sequence change replaces histidine, which is basic and polar, with glutamine, which is neutral and polar, at codon 98 of the CDKN2A (p16INK4a) protein (p.His98Gln). This variant is not present in population databases (gnomAD no frequency). This variant has not been reported in the literature in individuals affected with CDKN2A (p16INK4a)-related conditions. This variant is also known as c.337C>A (p.Pro113Thr) in CDKN2A (p14ARF) transcript. An algorithm developed to predict the effect of missense changes on protein structure and function (PolyPhen-2) suggests that this variant is likely to be tolerated. In summary, the available evidence is currently insufficient to determine the role of this variant in disease. Therefore, it has been classified as a Variant of Uncertain Significance.

NM_000077.5(CDKN2A):c.294C>A (p.His98Gln)

Gene: CDKN2A (cyclin dependent kinase inhibitor 2A; minus strand). Cytogenetic location: 9p21.3.
Variant type: single nucleotide variant.
Coding change: c.294C>A on transcript NM_000077.5; coding-DNA position 294, C replaced by A.
Protein change: p.His98Gln; replaces histidine 98 with glutamine.
Molecular consequence: missense variant (on NM_000077.6). On other transcripts: 3 prime UTR variant (1).
Genome position (GRCh38, 1-based): chr9:21,971,065, G>T on the plus strand (C>A on the coding strand, the complement: CDKN2A is on the minus strand). VCF-style: chr9-21971065-G-T. GRCh37 (hg19) VCF-style: chr9-21971064-G-T.
Other names: c.294C>A, p.His98Gln (NM_000077.6, NM_001195132.2); c.141C>A, p.His47Gln (NM_001363763.2); c.337C>A, p.Pro113Thr (NM_058195.4); c.*217C>A (NM_058197.5); short protein forms H47Q, H98Q, P113T.
Identifiers: ClinVar variation 3656494 (VCV003656494.2).